The following is an entry in ClinVar:

ClinVar aggregate classification (germline): Benign/Likely benign. Review status: criteria provided, multiple submitters, no conflicts (2 of 4 stars). 4 submissions from 3 submitters: Benign (2); Likely benign (2). Last evaluated 2018-06-23.

Conditions:
Dilated cardiomyopathy 1X (CMD1X). Also called: FKTN-Related Dilated Cardiomyopathy; CARDIOMYOPATHY, DILATED, WITH MILD OR NO PROXIMAL MUSCLE WEAKNESS. Identifiers: Orphanet 154, MedGen C1969024, MONDO:0012704, OMIM 611615.
Muscular dystrophy-dystroglycanopathy (congenital with brain and eye anomalies), type A, 4 (MDDGA4). Also called: WALKER-WARBURG SYNDROME OR MUSCLE-EYE-BRAIN DISEASE, FKTN-RELATED; Walker-Warburg Syndrome, Fktn-Related; Congenital muscular dystrophy-dystroglycanopathy with brain and eye anomalies, type A4; Muscular dystrophy, congenital progressive, with mental retardation; Muscular dystrophy, congenital, with central nervous system involvement; Cerebromuscular dystrophy, Fukuyama type. Identifiers: Orphanet 272, Orphanet 588, Orphanet 899, MedGen C0410174, MONDO:0009678, OMIM 253800.

Allele frequency attached by ClinVar (database versions not stated): gnomAD exomes 0.02808; 1000 Genomes Project 0.06769; gnomAD 0.07103 and 0.07482; 1000 Genomes Project 30x 0.07136; TOPMed 0.07816.
gnomAD v4.1: 23,550 of 598,412 alleles (3.9%); highest among the groups gnomAD compares: African/African-American, 19%; 1,237 homozygotes.

Submissions (4):

GeneDx
Classification: Benign. Last evaluated: 2018-06-23. Review status: criteria provided, single submitter. Criteria: GeneDx Variant Classification Process June 2021. Collection method: clinical testing. Allele origin: germline. Affected: yes.

Illumina Laboratory Services, Illumina
Classification: Likely benign for Dilated cardiomyopathy 1X. Last evaluated: 2018-01-13. Review status: criteria provided, single submitter. Criteria: ICSL Variant Classification Criteria 13 December 2019. Collection method: clinical testing. Allele origin: germline.
Comment: This variant was observed in the ICSL laboratory as part of a predisposition screen in an ostensibly healthy population. It had not been previously curated by ICSL or reported in the Human Gene Mutation Database (HGMD: prior to June 1st, 2018), and was therefore a candidate for classification through an automated scoring system. Utilizing variant allele frequency, disease prevalence and penetrance estimates, and inheritance mode, an automated score was calculated to assess if this variant is too frequent to cause the disease. Based on the score and internal cut-off values, a variant classified as likely benign is not then subjected to further curation. The score for this variant resulted in a classification of likely benign for this disease.

Illumina Laboratory Services, Illumina
Classification: Benign for Muscular dystrophy-dystroglycanopathy (congenital with brain and eye anomalies), type A, 4. Last evaluated: 2018-01-13. Review status: criteria provided, single submitter. Criteria: ICSL Variant Classification Criteria 13 December 2019. Collection method: clinical testing. Allele origin: germline.
Comment: This variant was observed in the ICSL laboratory as part of a predisposition screen in an ostensibly healthy population. It had not been previously curated by ICSL or reported in the Human Gene Mutation Database (HGMD: prior to June 1st, 2018), and was therefore a candidate for classification through an automated scoring system. Utilizing variant allele frequency, disease prevalence and penetrance estimates, and inheritance mode, an automated score was calculated to assess if this variant is too frequent to cause the disease. Based on the score and internal cut-off values, a variant classified as benign is not then subjected to further curation. The score for this variant resulted in a classification of benign for this disease.

Breakthrough Genomics
Classification: Likely benign. Review status: criteria provided, single submitter. Criteria: ACMG Guidelines, 2015. Collection method: not provided. Allele origin: germline. Inheritance: Autosomal recessive inheritance. Affected: yes.

NM_001079802.2(FKTN):c.*5062G>A

Gene: FKTN (fukutin; plus strand). Cytogenetic location: 9q31.2.
Variant type: single nucleotide variant.
Coding change: c.*5062G>A on transcript NM_001079802.2 (MANE Select); 5062 bases downstream of the stop codon, G replaced by A.
Molecular consequence: 3 prime UTR variant. On other transcripts: non-coding transcript variant (2).
Genome position (GRCh38, 1-based): chr9:105,640,326, G>A. VCF-style: chr9-105640326-G-A. GRCh37 (hg19) VCF-style: chr9-108402607-G-A.
Other names: c.*203G>A (NM_001198963.2); c.*5062G>A (NM_001351496.2, NM_001351497.2, NM_001351499.2 and 4 more transcripts); c.*5240G>A (NM_001351498.2).
Identifiers: ClinVar variation 364525 (VCV000364525.8), dbSNP rs1854125, ClinGen allele CA10626201.